The following is an entry in ClinVar:

ClinVar aggregate classification (germline): Uncertain significance (1 of 4 stars; one submission).

Allele frequency attached by ClinVar (database versions not stated): gnomAD exomes below 0.00001.
gnomAD v4.1: 5 of 1,611,484 alleles (0.00031%); highest among the groups gnomAD compares: Non-Finnish European, 0.00042%; no homozygotes.

Submission:

Labcorp Genetics (formerly Invitae), Labcorp
Classification: Uncertain significance. Last evaluated: 2025-03-17. Review status: criteria provided, single submitter. Criteria: Invitae Variant Classification Sherloc (09022015). Collection method: clinical testing. Allele origin: germline.
Comment: This sequence change replaces glycine, which is neutral and non-polar, with serine, which is neutral and polar, at codon 437 of the COL11A1 protein (p.Gly437Ser). This variant is not present in population databases (gnomAD no frequency). This variant has not been reported in the literature in individuals affected with COL11A1-related conditions. ClinVar contains an entry for this variant (Variation ID: 2819464). An algorithm developed to predict the effect of missense changes on protein structure and function (PolyPhen-2) suggests that this variant is likely to be disruptive. Algorithms developed to predict the effect of sequence changes on RNA splicing suggest that this variant may disrupt the consensus splice site. In summary, the available evidence is currently insufficient to determine the role of this variant in disease. Therefore, it has been classified as a Variant of Uncertain Significance.

NM_001854.4(COL11A1):c.1309G>A (p.Gly437Ser)

Gene: COL11A1 (collagen type XI alpha 1 chain; minus strand). Cytogenetic location: 1p21.1.
Variant type: single nucleotide variant.
Coding change: c.1309G>A on transcript NM_001854.4 (MANE Select); coding-DNA position 1309, G replaced by A.
Protein change: p.Gly437Ser; replaces glycine 437 with serine.
Molecular consequence: missense variant. On other transcripts: non-coding transcript variant (1).
Genome position (GRCh38, 1-based): chr1:103,018,859, C>T on the plus strand (G>A on the coding strand, the complement: COL11A1 is on the minus strand). VCF-style: chr1-103018859-C-T. GRCh37 (hg19) VCF-style: chr1-103484415-C-T.
Other names: c.961G>A, p.Gly321Ser (NM_001168249.1, NM_080630.4); c.1192G>A, p.Gly398Ser (NM_001190709.2); c.1345G>A, p.Gly449Ser (NM_080629.3); short protein forms G321S, G398S, G437S, G449S.
Identifiers: ClinVar variation 2819464 (VCV002819464.3), dbSNP rs1666773940, ClinGen allele CA341180517.